The following is an entry in ClinVar:

ClinVar aggregate classification (germline): Likely benign. Review status: criteria provided, multiple submitters, no conflicts (2 of 4 stars). 3 submissions from 3 submitters: Likely benign (3). Last evaluated 2025-05-04.

Conditions:
Cardiovascular phenotype. Identifiers: MedGen CN230736.
Dilated cardiomyopathy 1DD (CMD1DD). Identifiers: Orphanet 154, MedGen C2750995, MONDO:0013168, OMIM 613172.

Allele frequency attached by ClinVar (database versions not stated): gnomAD exomes below 0.00001 and 0.00001.
gnomAD v4.1: 3 of 1,549,878 alleles (0.00019%); highest among the groups gnomAD compares: Middle Eastern, 0.017%; no homozygotes.

Submissions (3):

Labcorp Genetics (formerly Invitae), Labcorp
Classification: Likely benign for Dilated cardiomyopathy 1DD. Last evaluated: 2025-05-04. Review status: criteria provided, single submitter. Criteria: Invitae Variant Classification Sherloc (09022015). Collection method: clinical testing. Allele origin: germline.

Ambry Genetics
Classification: Likely benign for Cardiovascular phenotype. Last evaluated: 2024-12-05. Review status: criteria provided, single submitter. Criteria: Ambry Variant Classification Scheme 2023. Collection method: clinical testing. Allele origin: germline.

Laboratory for Molecular Medicine, Mass General Brigham Personalized Medicine
Classification: Likely benign. Last evaluated: 2011-12-09. Review status: criteria provided, single submitter. Criteria: LMM Criteria. Collection method: clinical testing. Allele origin: germline. Observed: 1 variant allele.
Comment: Thr360Thr in exon 2 of RBM20: This variant is not expected to have clinical sign ificance because it does not alter an amino acid residue and is not located with in the splice consensus sequence. Thr360Thr in exon 2 of RBM20 (allele frequenc y = n/a)

NM_001134363.3(RBM20):c.1080A>T (p.Thr360=)

Gene: RBM20 (RNA binding motif protein 20; plus strand). Cytogenetic location: 10q25.2.
Variant type: single nucleotide variant.
Coding change: c.1080A>T on transcript NM_001134363.3 (MANE Select); coding-DNA position 1080, A replaced by T.
Protein change: p.Thr360=; no amino-acid change (threonine 360 retained).
Molecular consequence: synonymous variant.
Genome position (GRCh38, 1-based): chr10:110,781,689, A>T. VCF-style: chr10-110781689-A-T. GRCh37 (hg19) VCF-style: chr10-112541447-A-T.
Identifiers: ClinVar variation 43965 (VCV000043965.8), dbSNP rs397516591, ClinGen allele CA133251.